The following is an entry in ClinVar:

ClinVar aggregate classification (germline): Pathogenic (1 of 4 stars; one submission).

Submission:

Quest Diagnostics Nichols Institute San Juan Capistrano
Classification: Pathogenic. Last evaluated: 2024-03-11. Review status: criteria provided, single submitter. Criteria: ACMG/ClinGen CNV Guidelines, 2019. Collection method: clinical testing. Allele origin: unknown.
Comment: This copy number loss extends from low copy number repeats (LCRs) A to B and is consistent with proximal 22q11.2 deletion syndrome (ISCA-37433; OMIM 188400; McDonald-McGinn 2024). This syndrome has been referred to as velocardiofacial syndrome (OMIM 192430), and also historically as DiGeorge syndrome (OMIM 188400). Thus,this copy number loss is classified as pathogenic. References: McDonald-McGinn et al., GeneReviews. [2024 May 9]. PMID: 20301696

GRCh37/hg19 22q11.21(chr22:18916843-20311858)x1

Genes: ARVCF (ARVCF delta catenin family member; minus strand), C22orf39 (chromosome 22 open reading frame 39; minus strand), CDC45 (cell division cycle 45; plus strand), CLDN5 (claudin 5; minus strand), CLTCL1 (clathrin heavy chain like 1; minus strand) and 23 more. Cytogenetic location: 22q11.21.
Variant type: copy number loss.
Change: copy number 1 (one copy instead of two) of chr22:18,916,843-20,311,858 (1.40 Mb, GRCh37 coordinates, 1-based), cytogenetic band 22q11.21.
Identifiers: ClinVar variation 1808239 (VCV001808239.2).